The following is an entry in ClinVar:

NM_000094.4(COL7A1):c.3289T>A (p.Ser1097Thr)

Gene: COL7A1 (collagen type VII alpha 1 chain; minus strand). Cytogenetic location: 3p21.31.
Variant type: single nucleotide variant.
Coding change: c.3289T>A on transcript NM_000094.4 (MANE Select); coding-DNA position 3289, T replaced by A.
Protein change: p.Ser1097Thr; replaces serine 1097 with threonine.
Molecular consequence: missense variant.
Genome position (GRCh38, 1-based): chr3:48,586,677, A>T on the plus strand (T>A on the coding strand, the complement: COL7A1 is on the minus strand). VCF-style: chr3-48586677-A-T. GRCh37 (hg19) VCF-style: chr3-48624110-A-T.
Other names: short protein forms S1097T.
Identifiers: ClinVar variation 1930340 (VCV001930340.4), dbSNP rs2531215429, ClinGen allele CA352707788.

ClinVar aggregate classification (germline): Uncertain significance. Review status: criteria provided, multiple submitters, no conflicts (2 of 4 stars). 2 submissions from 2 submitters: Uncertain significance (2). Last evaluated 2023-06-13.

Conditions:
Inborn genetic diseases. Identifiers: MedGen C0950123, MeSH D030342.

Submissions (2):

Ambry Genetics
Classification: Uncertain significance for Inborn genetic diseases. Last evaluated: 2023-06-13. Review status: criteria provided, single submitter. Criteria: Ambry Variant Classification Scheme 2023. Collection method: clinical testing. Allele origin: germline.

Labcorp Genetics (formerly Invitae), Labcorp
Classification: Uncertain significance. Last evaluated: 2022-08-24. Review status: criteria provided, single submitter. Criteria: Invitae Variant Classification Sherloc (09022015). Collection method: clinical testing. Allele origin: germline.
Comment: This sequence change replaces serine, which is neutral and polar, with threonine, which is neutral and polar, at codon 1097 of the COL7A1 protein (p.Ser1097Thr). This variant is not present in population databases (gnomAD no frequency). This variant has not been reported in the literature in individuals affected with COL7A1-related conditions. Advanced modeling of protein sequence and biophysical properties (such as structural, functional, and spatial information, amino acid conservation, physicochemical variation, residue mobility, and thermodynamic stability) performed at Invitae indicates that this missense variant is not expected to disrupt COL7A1 protein function. In summary, the available evidence is currently insufficient to determine the role of this variant in disease. Therefore, it has been classified as a Variant of Uncertain Significance.